The following is an entry in ClinVar:

ClinVar aggregate classification (germline): Uncertain significance. Review status: criteria provided, single submitter (1 of 4 stars). 2 submissions from 2 submitters: Uncertain significance (1). 1 of the submissions does not count toward it. Last evaluated 2022-07-12.

Conditions:
Familial Autism Spectrum Disorder.
Joubert syndrome 15 (JBTS15). Identifiers: Orphanet 475, MedGen C3280897, MONDO:0013763, OMIM 614464.

Allele frequency attached by ClinVar (database versions not stated): gnomAD exomes 0.00001; TOPMed 0.00001.
gnomAD v4.1: 9 of 1,614,124 alleles (0.00056%); highest among the groups gnomAD compares: Non-Finnish European, 0.00068%; no homozygotes.

Submissions (2):

Labcorp Genetics (formerly Invitae), Labcorp
Classification: Uncertain significance for Joubert syndrome 15. Last evaluated: 2022-07-12. Review status: criteria provided, single submitter. Criteria: Invitae Variant Classification Sherloc (09022015). Collection method: clinical testing. Allele origin: germline.
Comment: Algorithms developed to predict the effect of missense changes on protein structure and function (SIFT, PolyPhen-2, Align-GVGD) all suggest that this variant is likely to be tolerated. Experimental studies are conflicting or provide insufficient evidence to determine the effect of this variant on CEP41 function (PMID: 30664616). In summary, the available evidence is currently insufficient to determine the role of this variant in disease. Therefore, it has been classified as a Variant of Uncertain Significance. This sequence change replaces alanine, which is neutral and non-polar, with proline, which is neutral and non-polar, at codon 85 of the CEP41 protein (p.Ala85Pro). This variant is not present in population databases (gnomAD no frequency). This variant has not been reported in the literature in individuals affected with CEP41-related conditions. ClinVar contains an entry for this variant (Variation ID: 982171).

University of Washington Center for Mendelian Genomics, University of Washington
Classification: Likely pathogenic for Familial Autism Spectrum Disorder. Review status: no assertion criteria provided. Collection method: research. Allele origin: inherited. Affected: yes. Not counted in ClinVar's aggregate classification.

Literature cited by the submitters: PubMed 30664616 (cited by Labcorp Genetics (formerly Invitae), Labcorp and University of Washington Center for Mendelian Genomics, University of Washington).

NM_018718.3(CEP41):c.253G>C (p.Ala85Pro)

Gene: CEP41 (centrosomal protein 41; minus strand). Cytogenetic location: 7q32.2.
Variant type: single nucleotide variant.
Coding change: c.253G>C on transcript NM_018718.3 (MANE Select); coding-DNA position 253, G replaced by C.
Protein change: p.Ala85Pro; replaces alanine 85 with proline.
Molecular consequence: missense variant. On other transcripts: non-coding transcript variant (1).
Genome position (GRCh38, 1-based): chr7:130,411,146, C>G on the plus strand (G>C on the coding strand, the complement: CEP41 is on the minus strand). VCF-style: chr7-130411146-C-G. GRCh37 (hg19) VCF-style: chr7-130050987-C-G.
Other names: c.253G>C, p.Ala85Pro (NM_001257158.2); c.205G>C, p.Ala69Pro (NM_001257159.2); short protein forms A69P, A85P.
Identifiers: ClinVar variation 982171 (VCV000982171.6), dbSNP rs946180222, ClinGen allele CA166908655.